The following is an entry in ClinVar:

NM_080425.4(GNAS):c.439G>A (p.Ala147Thr)

Gene: GNAS (GNAS complex locus; plus strand). Cytogenetic location: 20q13.32.
Variant type: single nucleotide variant.
Coding change: c.439G>A on transcript NM_080425.4 (MANE Plus Clinical); coding-DNA position 439, G replaced by A.
Protein change: p.Ala147Thr; replaces alanine 147 with threonine.
Molecular consequence: missense variant. On other transcripts: synonymous variant (2), intron variant (3).
Genome position (GRCh38, 1-based): chr20:58,853,704, G>A. VCF-style: chr20-58853704-G-A. GRCh37 (hg19) VCF-style: chr20-57428759-G-A.
Other names: c.252G>A, p.Val84= (NM_001077490.3, NM_001309883.1); c.439G>A, p.Ala147Thr (NM_001410913.1); c.*42+12818G>A (NM_016592.5); c.43+12818G>A (NM_001410912.1); c.-39+11829G>A (NM_001309861.2); short protein forms A147T.
Identifiers: ClinVar variation 4996471 (VCV004996471.1).
Genomic context (GRCh38, chr20:58,853,704, plus strand): 5'-GTCCATGCAGGCCTTGAGGCCTTCGGCCCAGCACTCATGGAGCCCGGAGCCTTCAGTGGT[G>A]CCAGACCAGGCCTGGGAGGATACAGCCCTCCACCAGAAGAAGCTATGCCCTTTGAGTTTG-3'
Protein context (NP_536350.2, residues 137-157): ALMEPGAFSG[Ala147Thr]RPGLGGYSPP

ClinVar aggregate classification (germline): Uncertain significance (1 of 4 stars; one submission).

Conditions:
GNAS-related disorder. Identifiers: MedGen CN380105.

gnomAD v4.1: 2 of 1,613,800 alleles (0.00012%); highest among the groups gnomAD compares: Admixed American, 0.0017%; no homozygotes.

Submission:

PreventionGenetics, part of Exact Sciences
Classification: Uncertain significance for GNAS-related condition. Last evaluated: 2026-05-13. Review status: criteria provided, single submitter. Criteria: ACMG Guidelines, 2015. Collection method: clinical testing. Allele origin: germline.
Comment: The GNAS c.439G>A variant is predicted to result in the amino acid substitution p.Ala147Thr. This variant is referred to as c.-38023G>A (Pre-Coding) on the alternate transcript NM_000516. To our knowledge, this variant has not been reported in the literature. This variant is reported in 0.0029% of alleles in individuals of Latino descent in gnomAD. At this time, the clinical significance of this variant is uncertain due to the absence of conclusive functional and genetic evidence.